The following is an entry in ClinVar:

ClinVar aggregate classification (germline): Uncertain significance (1 of 4 stars; one submission).

Conditions:
Hereditary cancer-predisposing syndrome. Also called: Neoplastic Syndromes, Hereditary; Hereditary Cancer Syndrome; Hereditary neoplastic syndrome; Tumor predisposition. Identifiers: Orphanet 140162, MedGen C0027672, MeSH D009386, MONDO:0015356.

Submission:

Ambry Genetics
Classification: Uncertain significance for Hereditary cancer-predisposing syndrome. Last evaluated: 2016-06-03. Review status: criteria provided, single submitter. Criteria: Ambry Variant Classification Scheme 2023. Collection method: clinical testing. Allele origin: germline.
Comment: The p.D1505H variant (also known as c.4513G>C), located in coding exon 13 of the BRCA1 gene, results from a G to C substitution at nucleotide position 4513. The aspartic acid at codon 1505 is replaced by histidine, an amino acid with similar properties. This variant was not reported in population based cohorts in the following databases: Database of Single Nucleotide Polymorphisms (dbSNP), NHLBI Exome Sequencing Project (ESP), and 1000 Genomes Project. In the ESP, this variant was not observed in 6503 samples (13006 alleles) with coverage at this position. To date, this alteration has been detected with an allele frequency of approximately 0.0003% (greater than 300000 alleles tested) in our clinical cohort. This amino acid position is not well conserved in available vertebrate species. In addition, the in silico prediction for this alteration is inconclusive. Since supporting evidence is limited at this time, the clinical significance of this alteration remains unclear.

NM_007294.4(BRCA1):c.4513G>C (p.Asp1505His)

Gene: BRCA1 (BRCA1 DNA repair associated; minus strand). Cytogenetic location: 17q21.31.
Variant type: single nucleotide variant.
Coding change: c.4513G>C on transcript NM_007294.4 (MANE Select); coding-DNA position 4513, G replaced by C.
Protein change: p.Asp1505His; replaces aspartic acid 1505 with histidine.
Molecular consequence: missense variant. On other transcripts: non-coding transcript variant (1).
Genome position (GRCh38, 1-based): chr17:43,074,493, C>G on the plus strand (G>C on the coding strand, the complement: BRCA1 is on the minus strand). VCF-style: chr17-43074493-C-G. GRCh37 (hg19) VCF-style: chr17-41226510-C-G.
Other names: c.4372G>C, p.Asp1458His (NM_001407725.1, NM_001407726.1, NM_001407730.1 and 13 more transcripts); c.1201G>C, p.Asp401His (NM_001407983.1, NM_001407984.1, NM_001407985.1 and 13 more transcripts); c.4369G>C, p.Asp1457His (NM_001407732.1, NM_001407733.1, NM_001407943.1 and 21 more transcripts); c.4384G>C, p.Asp1462His (NM_001407941.1, NM_001407681.1, NM_001407682.1 and 6 more transcripts); c.4180G>C, p.Asp1394His (NM_001407946.1, NM_001407947.1, NM_001407948.1 and 1 more transcripts); c.4177G>C, p.Asp1393His (NM_001407950.1, NM_001407951.1, NM_001407952.1 and 3 more transcripts); c.4174G>C, p.Asp1392His (NM_001407956.1, NM_001407957.1, NM_001407958.1); c.4132G>C, p.Asp1378His (NM_001407959.1); and 68 more; short protein forms D1505H, D1458H, D401H, D1526H, D1209H, D1417H, D1434H, D1456H.
Identifiers: ClinVar variation 479215 (VCV000479215.6), dbSNP rs1555582052, ClinGen allele CA10592502.